The following is an entry in ClinVar:

ClinVar aggregate classification (germline): Conflicting classifications of pathogenicity. Review status: criteria provided, conflicting classifications (1 of 4 stars). 2 submissions from 2 submitters: Likely pathogenic (1); Uncertain significance (1). Last evaluated 2025-03-07.

Conditions:
Hereditary cancer-predisposing syndrome. Also called: Hereditary neoplastic syndrome; Tumor predisposition; Neoplastic Syndromes, Hereditary; Hereditary Cancer Syndrome. Identifiers: Orphanet 140162, MedGen C0027672, MeSH D009386, MONDO:0015356.
Rhabdoid tumor predisposition syndrome 2 (RTPS2). Identifiers: Orphanet 231108, Orphanet 69077, MedGen C2750074, MONDO:0013224, OMIM 613325.

Submissions (2):

Ambry Genetics
Classification: Uncertain significance for Hereditary cancer-predisposing syndrome. Last evaluated: 2025-03-07. Review status: criteria provided, single submitter. Criteria: Ambry Variant Classification Scheme 2023. Collection method: clinical testing. Allele origin: germline.
Comment: The c.859+1G>T intronic variant results from a G to T substitution one nucleotide after coding exon 4 of the SMARCA4 gene. Alterations that disrupt the canonical splice site are expected to result in aberrant splicing. In silico splice site analysis predicts that this alteration will weaken the native splice donor site. The resulting transcript is predicted to be in-frame and is not expected to trigger nonsense-mediated mRNAdecay; however, direct evidence is insufficient at this time (Ambry internal data). Based on the available evidence, the clinical significance of this variant remains unclear.

Labcorp Genetics (formerly Invitae), Labcorp
Classification: Likely pathogenic for Rhabdoid tumor predisposition syndrome 2. Last evaluated: 2021-01-29. Review status: criteria provided, single submitter. Criteria: Invitae Variant Classification Sherloc (09022015). Collection method: clinical testing. Allele origin: germline.
Comment: In summary, the currently available evidence indicates that the variant is pathogenic, but additional data are needed to prove that conclusively. Therefore, this variant has been classified as Likely Pathogenic. This sequence change affects a donor splice site in intron 5 of the SMARCA4 gene. It is expected to disrupt RNA splicing. Variants that disrupt the donor or acceptor splice site typically lead to a loss of protein function (PMID: 16199547), and loss-of-function variants in SMARCA4 are known to be pathogenic (PMID: 24658001, 24658002). This variant is not present in population databases (ExAC no frequency). This variant has not been reported in the literature in individuals with SMARCA4-related conditions. Algorithms developed to predict the effect of sequence changes on RNA splicing suggest that this variant may disrupt the consensus splice site, but this prediction has not been confirmed by published transcriptional studies.

Literature cited by the submitters: PubMed 16199547 (cited by Labcorp Genetics (formerly Invitae), Labcorp); PubMed 24658001 (cited by Labcorp Genetics (formerly Invitae), Labcorp); PubMed 24658002 (cited by Labcorp Genetics (formerly Invitae), Labcorp).

NM_003072.5(SMARCA4):c.859+1G>T

Gene: SMARCA4 (SWI/SNF related BAF chromatin remodeling complex subunit ATPase 4; plus strand). Cytogenetic location: 19p13.2.
Variant type: single nucleotide variant.
Coding change: c.859+1G>T on transcript NM_003072.5 (MANE Select); the canonical splice donor site of the intron after coding-DNA position 859, G replaced by T.
Molecular consequence: splice donor variant.
Genome position (GRCh38, 1-based): chr19:10,987,004, G>T. VCF-style: chr19-10987004-G-T. GRCh37 (hg19) VCF-style: chr19-11097680-G-T.
Other names: c.859+1G>T (NM_001128849.1, NM_001128844.3, NM_001128849.3 and 7 more transcripts).
Identifiers: ClinVar variation 1349634 (VCV001349634.9), dbSNP rs2145798387, ClinGen allele CA404058205.